The following is an entry in ClinVar:

NM_001127222.2(CACNA1A):c.2287C>A (p.Gln763Lys)

Gene: CACNA1A (calcium voltage-gated channel subunit alpha1 A; minus strand). Cytogenetic location: 19p13.13.
Variant type: single nucleotide variant.
Coding change: c.2287C>A on transcript NM_001127222.2 (MANE Select); coding-DNA position 2287, C replaced by A.
Protein change: p.Gln763Lys; replaces glutamine 763 with lysine.
Molecular consequence: missense variant.
Genome position (GRCh38, 1-based): chr19:13,299,346, G>T on the plus strand (C>A on the coding strand, the complement: CACNA1A is on the minus strand). VCF-style: chr19-13299346-G-T. GRCh37 (hg19) VCF-style: chr19-13410160-G-T.
Other names: c.2299C>A, p.Gln767Lys (NM_000068.4, NM_023035.3); c.2290C>A, p.Gln764Lys (NM_001127221.2, NM_001174080.2); short protein forms Q763K, Q764K, Q767K.
Identifiers: ClinVar variation 1445154 (VCV001445154.10), dbSNP rs2057741441, ClinGen allele CA404343793.

ClinVar aggregate classification (germline): Uncertain significance. Review status: criteria provided, multiple submitters, no conflicts (2 of 4 stars). 3 submissions from 3 submitters: Uncertain significance (3). Last evaluated 2025-09-23.

Conditions:
Developmental and epileptic encephalopathy, 42 (DEE42A). Also called: DEVELOPMENTAL AND EPILEPTIC ENCEPHALOPATHY 42A; EPILEPTIC ENCEPHALOPATHY, EARLY INFANTILE, 42A; Epileptic encephalopathy, early infantile, 42. Identifiers: MedGen C4310716, MONDO:0014917, OMIM 617106.
Episodic ataxia type 2 (EA2). Also called: ACETAZOLAMIDE-RESPONSIVE HEREDITARY PAROXYSMAL CEREBELLAR ATAXIA; EPISODIC ATAXIA, NYSTAGMUS-ASSOCIATED; ATAXIA, EPISODIC, WITH NYSTAGMUS; ATAXIA, FAMILIAL PAROXYSMAL; CEREBELLAR ATAXIA, PAROXYSMAL, ACETAZOLAMIDE-RESPONSIVE; CEREBELLOPATHY, HEREDITARY PAROXYSMAL. Identifiers: Orphanet 97, MedGen C1720416, MONDO:0007163, OMIM 108500.
Inborn genetic diseases. Identifiers: MedGen C0950123, MeSH D030342.

Allele frequency attached by ClinVar (database versions not stated): gnomAD 0.00001; TOPMed 0.00002.

Submissions (3):

Labcorp Genetics (formerly Invitae), Labcorp
Classification: Uncertain significance for Developmental and epileptic encephalopathy, 42; Episodic ataxia type 2. Last evaluated: 2025-09-23. Review status: criteria provided, single submitter. Criteria: Invitae Variant Classification Sherloc (09022015). Collection method: clinical testing. Allele origin: germline.
Comment: This sequence change replaces glutamine, which is neutral and polar, with lysine, which is basic and polar, at codon 764 of the CACNA1A protein (p.Gln764Lys). This variant is not present in population databases (gnomAD no frequency). This variant has not been reported in the literature in individuals affected with CACNA1A-related conditions. ClinVar contains an entry for this variant (Variation ID: 1445154). Invitae Evidence Modeling of protein sequence and biophysical properties (such as structural, functional, and spatial information, amino acid conservation, physicochemical variation, residue mobility, and thermodynamic stability) indicates that this missense variant is not expected to disrupt CACNA1A protein function with a negative predictive value of 95%. In summary, the available evidence is currently insufficient to determine the role of this variant in disease. Therefore, it has been classified as a Variant of Uncertain Significance.

Ambry Genetics
Classification: Uncertain significance for Inborn genetic diseases. Last evaluated: 2021-12-15. Review status: criteria provided, single submitter. Criteria: Ambry Variant Classification Scheme 2023. Collection method: clinical testing. Allele origin: germline.

New York Genome Center
Classification: Uncertain significance for Developmental and epileptic encephalopathy, 42. Last evaluated: 2021-06-16. Review status: criteria provided, single submitter. Criteria: NYGC Assertion Criteria 2020. Collection method: clinical testing. Allele origin: germline. Observed: 1 heterozygote. Study: CSER-NYCKidSeq.
Comment: The c.2290C>A (p.Gln764Lys) variant in exon 19 of 47 of CACNA1A has not been reported in affected individuals in the available literature. This variant is present in gnomAD v3 at a very low frequency (1/152222 allele, allele frequency 0.000006569, no homozygotes) indicating it is not a common benign variant in the populations represented in this database. In silico predictors suggest this variant is Benign (REVEL score: 0.416) and tolerated (SIFT score: 0.074). Given the current evidence regarding its pathogenicity, the c.2290C>A (p.Gln764Lys) variant identified in the CACNA1A gene is classified as a Variant of uncertain significance.